The following is an entry in ClinVar:

NM_000261.2(MYOC):c.1441C>A (p.Pro481Thr)

Gene: MYOC (myocilin; minus strand). Cytogenetic location: 1q24.3.
Variant type: single nucleotide variant.
Coding change: c.1441C>A on transcript NM_000261.2 (MANE Select); coding-DNA position 1441, C replaced by A.
Protein change: p.Pro481Thr; replaces proline 481 with threonine.
Molecular consequence: missense variant.
Genome position (GRCh38, 1-based): chr1:171,635,999, G>T on the plus strand (C>A on the coding strand, the complement: MYOC is on the minus strand). VCF-style: chr1-171635999-G-T. GRCh37 (hg19) VCF-style: chr1-171605139-G-T.
Other names: NM_000261.2:c.1441C>A; short protein forms P481T.
Identifiers: ClinVar variation 1686787 (VCV001686787.4), dbSNP rs763068244, ClinGen allele CA16616748.

ClinVar aggregate classification (germline): Uncertain significance (3 of 4 stars; one submission).

Conditions:
Open-angle glaucoma. Identifiers: MedGen C0017612, MONDO:0005338, HP:0012108.

Submission:

ClinGen Glaucoma Variant Curation Expert Panel
Classification: Uncertain significance for Open-angle glaucoma. Last evaluated: 2026-02-04. Review status: reviewed by expert panel. Criteria: ClinGen Glaucoma ACMG Specifications V2.0.0 Approved. Collection method: curation. Allele origin: germline. Inheritance: Autosomal dominant inheritance.
Comment: The c.1441C>A variant in MYOC is a missense variant predicted to cause substitution of Proline by Threonine at amino acid 481 (p.Pro481Thr). This variant was not found in any genetic ancestry group of gnomAD (v4.1.0), meeting the ≤ 0.0001 threshold set for PM2_Supporting in a genetic ancestry group of at least 10,000 alleles. The REVEL score = 0.839, which was within the 0.773-0.931 range for PP3_Moderate, predicting a damaging effect on MYOC function. There was no functional evidence predicting a damaging or benign impact of this variant on MYOC function. Only 1 segregation had been reported for juvenile open angle glaucoma (E. Souzeau pers. comm.), not meeting the ≥ 3 segregations required for PP1. 3 probands with JOAG or POAG have been reported carrying this variant (PMIDs: 23453510, 10196380, 35946471), which met PS4_Supporting (≥ 2 probands). In summary, this variant met the criteria to receive a score of 4 and to be classified as a variant of uncertain significance (uncertain significance classification range -1 to 5, adapted from PMID: 32720330) for juvenile open angle glaucoma based on the ACMG/AMP criteria met, as specified by the ClinGen Glaucoma VCEP (v2.0.0, 5 Dec 2024): PP3_Moderate, PS4_Supporting, PM2_Supporting.